The following is an entry in ClinVar:

ClinVar aggregate classification (germline): Uncertain significance (1 of 4 stars; one submission).

Submission:

GeneDx
Classification: Uncertain significance. Last evaluated: 2024-01-14. Review status: criteria provided, single submitter. Criteria: GeneDx Variant Classification Process June 2021. Collection method: clinical testing. Allele origin: germline. Affected: yes.
Comment: Not observed at significant frequency in large population cohorts (gnomAD); In silico analysis supports that this missense variant does not alter protein structure/function; Has not been previously published as pathogenic or benign to our knowledge

NM_003036.4(SKI):c.529A>C (p.Ile177Leu)

Gene: SKI (SKI proto-oncogene; plus strand). Cytogenetic location: 1p36.33.
Variant type: single nucleotide variant.
Coding change: c.529A>C on transcript NM_003036.4 (MANE Select); coding-DNA position 529, A replaced by C.
Protein change: p.Ile177Leu; replaces isoleucine 177 with leucine.
Molecular consequence: missense variant.
Genome position (GRCh38, 1-based): chr1:2,229,295, A>C. VCF-style: chr1-2229295-A-C. GRCh37 (hg19) VCF-style: chr1-2160734-A-C.
Other names: short protein forms I177L.
Identifiers: ClinVar variation 3367946 (VCV003367946.1).